The following is an entry in ClinVar:

ClinVar aggregate classification (germline): Uncertain significance (1 of 4 stars; one submission).

Allele frequency attached by ClinVar (database versions not stated): TOPMed below 0.00001.

Submission:

Labcorp Genetics (formerly Invitae), Labcorp
Classification: Uncertain significance. Last evaluated: 2022-10-24. Review status: criteria provided, single submitter. Criteria: Invitae Variant Classification Sherloc (09022015). Collection method: clinical testing. Allele origin: germline.
Comment: In summary, the available evidence is currently insufficient to determine the role of this variant in disease. Therefore, it has been classified as a Variant of Uncertain Significance. Algorithms developed to predict the effect of missense changes on protein structure and function are either unavailable or do not agree on the potential impact of this missense change (SIFT: "Deleterious"; PolyPhen-2: "Possibly Damaging"; Align-GVGD: "Class C0"). This variant has not been reported in the literature in individuals affected with SLIT2-related conditions. This variant is present in population databases (no rsID available, gnomAD 0.003%). This sequence change replaces arginine, which is basic and polar, with glutamine, which is neutral and polar, at codon 328 of the SLIT2 protein (p.Arg328Gln).

NM_004787.4(SLIT2):c.983G>A (p.Arg328Gln)

Gene: SLIT2 (slit guidance ligand 2; plus strand). Cytogenetic location: 4p15.31.
Variant type: single nucleotide variant.
Coding change: c.983G>A on transcript NM_004787.4 (MANE Select); coding-DNA position 983, G replaced by A.
Protein change: p.Arg328Gln; replaces arginine 328 with glutamine.
Molecular consequence: missense variant.
Genome position (GRCh38, 1-based): chr4:20,510,563, G>A. VCF-style: chr4-20510563-G-A. GRCh37 (hg19) VCF-style: chr4-20512186-G-A.
Other names: c.995G>A, p.Arg332Gln (NM_001289135.3); c.983G>A, p.Arg328Gln (NM_001289136.3); short protein forms R328Q, R332Q.
Identifiers: ClinVar variation 1927145 (VCV001927145.5), dbSNP rs750270028, ClinGen allele CA93507856.